The following is an entry in ClinVar:

NM_014956.5(CEP164):c.2173C>T (p.Leu725Phe)

Gene: CEP164 (centrosomal protein 164; plus strand). Cytogenetic location: 11q23.3.
Variant type: single nucleotide variant.
Coding change: c.2173C>T on transcript NM_014956.5 (MANE Select); coding-DNA position 2173, C replaced by T.
Protein change: p.Leu725Phe; replaces leucine 725 with phenylalanine.
Molecular consequence: missense variant.
Genome position (GRCh38, 1-based): chr11:117,391,105, C>T. VCF-style: chr11-117391105-C-T. GRCh37 (hg19) VCF-style: chr11-117261821-C-T.
Other names: c.2182C>T, p.Leu728Phe (NM_001271933.2, NM_001440949.1); c.2173C>T, p.Leu725Phe (NM_001440950.1, NM_001440951.1, NM_001440953.1); c.2008C>T, p.Leu670Phe (NM_001440952.1, NM_001440968.1, NM_001440969.1); c.2095C>T, p.Leu699Phe (NM_001440954.1, NM_001440955.1, NM_001440958.1 and 1 more transcripts); c.2086C>T, p.Leu696Phe (NM_001440956.1, NM_001440957.1); c.2044C>T, p.Leu682Phe (NM_001440960.1); c.2035C>T, p.Leu679Phe (NM_001440961.1, NM_001440967.1); c.2026C>T, p.Leu676Phe (NM_001440962.1, NM_001440963.1, NM_001440964.1 and 4 more transcripts); and 7 more; short protein forms L696F, L699F, L606F, L629F, L670F, L676F, L682F, L580F.
Identifiers: ClinVar variation 4989924 (VCV004989924.1).
Genomic context (GRCh38, chr11:117,391,105, plus strand): 5'-TCTCAACAGAAGGCTGAGAGGGCCAGCTTGGAACAGAAAAATAGGCAAATGCTGGAGCAG[C>T]TCAAGGAAGAGATAGAGGCTTCGGAGAAGAGCGAGCAGGCTGCCCTGAATGCTGCAAAGG-3'
Protein context (NP_055771.4, residues 715-735): EQKNRQMLEQ[Leu725Phe]KEEIEASEKS

ClinVar aggregate classification (germline): Uncertain significance (1 of 4 stars; one submission).

Conditions:
CEP164-related disorder. Also called: CEP164-related condition.

gnomAD v4.1: 15 of 1,614,032 alleles (0.00093%); highest among the groups gnomAD compares: Non-Finnish European, 0.0013%; no homozygotes.

Submission:

PreventionGenetics, part of Exact Sciences
Classification: Uncertain significance for CEP164-related condition. Last evaluated: 2026-05-26. Review status: criteria provided, single submitter. Criteria: ACMG Guidelines, 2015. Collection method: clinical testing. Allele origin: germline.
Comment: The CEP164 c.2173C>T variant is predicted to result in the amino acid substitution p.Leu725Phe. To our knowledge, this variant has not been reported in the literature. This variant is reported in 0.0035% of alleles in individuals of European (Non-Finnish) descent in gnomAD. At this time, the clinical significance of this variant is uncertain due to the absence of conclusive functional and genetic evidence.